The following is an entry in ClinVar:

ClinVar aggregate classification (germline): Benign/Likely benign. Review status: criteria provided, multiple submitters, no conflicts (2 of 4 stars). 9 submissions from 9 submitters: Benign (1); Likely benign (7). 1 of the submissions does not count toward it. Last evaluated 2026-06-01.

Conditions:
VPS13D-related disorder. Also called: VPS13D-related condition.
Autosomal recessive cerebellar ataxia-saccadic intrusion syndrome. Also called: SPINOCEREBELLAR ATAXIA 24; VPS13D Movement Disorder. Identifiers: Orphanet 95434, MedGen C1846492, MONDO:0011811, OMIM 607317.
Inborn genetic diseases. Identifiers: MedGen C0950123, MeSH D030342.

Allele frequency attached by ClinVar (database versions not stated): 1000 Genomes Project 30x 0.00094; 1000 Genomes Project 0.00120; gnomAD 0.00133 and 0.00151; ESP Exome Variant Server 0.00154; TOPMed 0.00159; ExAC 0.00192; gnomAD exomes 0.00192 and 0.00286.
gnomAD v4.1: 4,371 of 1,614,124 alleles (0.27%); highest among the groups gnomAD compares: Middle Eastern, 0.78%; 25 homozygotes.

Submissions (9):

CeGaT Center for Human Genetics Tuebingen
Classification: Likely benign. Last evaluated: 2026-06-01. Review status: criteria provided, single submitter. Criteria: CeGaT Center For Human Genetics Tuebingen Variant Classification Criteria Version 2. Collection method: clinical testing. Allele origin: germline. Affected: yes. Observed: 12 variant alleles.
Comment: VPS13D: BP4, BS2

Labcorp Genetics (formerly Invitae), Labcorp
Classification: Likely benign. Last evaluated: 2026-01-24. Review status: criteria provided, single submitter. Criteria: Invitae Variant Classification Sherloc (09022015). Collection method: clinical testing. Allele origin: germline.

Genomic Medicine Center of Excellence, King Faisal Specialist Hospital and Research Centre
Classification: Likely benign. Last evaluated: 2025-08-18. Review status: criteria provided, single submitter. Criteria: ACMG Guidelines, 2015. Collection method: clinical testing. Allele origin: germline.

Blueprint Genetics
Classification: Likely benign. Last evaluated: 2024-11-13. Review status: criteria provided, single submitter. Criteria: ACMG Guidelines, 2015. Collection method: clinical testing. Allele origin: germline.

Mayo Clinic Laboratories, Mayo Clinic
Classification: Benign. Last evaluated: 2024-10-14. Review status: criteria provided, single submitter. Criteria: ACMG Guidelines, 2015. Collection method: clinical testing. Allele origin: germline. Observed: 10 variant alleles.
Comment: BS1, BS2, BP4

Genome-Nilou Lab
Classification: Likely benign for Autosomal recessive cerebellar ataxia-saccadic intrusion syndrome. Last evaluated: 2023-04-11. Review status: criteria provided, single submitter. Criteria: ACMG Guidelines, 2015. Collection method: clinical testing. Allele origin: germline. Affected: no.

Ambry Genetics
Classification: Likely benign for Inborn genetic diseases. Last evaluated: 2021-08-10. Review status: criteria provided, single submitter. Criteria: Ambry Variant Classification Scheme 2023. Collection method: clinical testing. Allele origin: germline.

Breakthrough Genomics
Classification: Likely benign. Review status: criteria provided, single submitter. Criteria: ACMG Guidelines, 2015. Collection method: not provided. Allele origin: germline. Inheritance: Autosomal recessive inheritance. Affected: yes.

PreventionGenetics, part of Exact Sciences
Classification: Likely benign for VPS13D-related condition. Last evaluated: 2019-03-25. Review status: no assertion criteria provided. Collection method: clinical testing. Allele origin: germline. Not counted in ClinVar's aggregate classification.
Comment: This variant is classified as likely benign based on ACMG/AMP sequence variant interpretation guidelines (Richards et al. 2015 PMID: 25741868, with internal and published modifications).

Literature cited by the submitters: PubMed 36156252 (cited by Mayo Clinic Laboratories, Mayo Clinic).

NM_015378.4(VPS13D):c.5334T>A (p.Ser1778Arg)

Gene: VPS13D (vacuolar protein sorting 13 homolog D; plus strand). Cytogenetic location: 1p36.22.
Variant type: single nucleotide variant.
Coding change: c.5334T>A on transcript NM_015378.4 (MANE Select); coding-DNA position 5334, T replaced by A.
Protein change: p.Ser1778Arg; replaces serine 1778 with arginine.
Molecular consequence: missense variant.
Genome position (GRCh38, 1-based): chr1:12,283,436, T>A. VCF-style: chr1-12283436-T-A. GRCh37 (hg19) VCF-style: chr1-12343493-T-A.
Other names: p.Ser1778Arg; c.5334T>A, p.Ser1778Arg (NM_018156.4); c.5334T>A (NM_015378.2, NM_015378.3); short protein forms S1778R.
Identifiers: ClinVar variation 1013507 (VCV001013507.50), dbSNP rs144311414, ClinGen allele CA602300.